The following is an entry in ClinVar:

NM_001543.5(NDST1):c.1632G>A (p.Lys544=)

Gene: NDST1 (N-deacetylase and N-sulfotransferase 1; plus strand). Cytogenetic location: 5q33.1.
Variant type: single nucleotide variant.
Coding change: c.1632G>A on transcript NM_001543.5 (MANE Select); coding-DNA position 1632, G replaced by A.
Protein change: p.Lys544=; no amino-acid change (lysine 544 retained).
Molecular consequence: synonymous variant.
Genome position (GRCh38, 1-based): chr5:150,540,147, G>A. VCF-style: chr5-150540147-G-A. GRCh37 (hg19) VCF-style: chr5-149919709-G-A.
Other names: c.1632G>A, p.Lys544= (NM_001301063.2).
Identifiers: ClinVar variation 2655936 (VCV002655936.24), dbSNP rs2479990238, ClinGen allele CA447163861.
Genomic context (GRCh38, chr5:150,540,147, plus strand): 5'-CATCTTCATGACGCACCTGTCCAACTATGGGAATGACCGCCTGGGCCTGTACACCTTCAA[G>A]CACCTGGTGCGCTTCCTGCACTCCTGGACGAACCTCCGGCTGCAGACACTGCCCCCTGTG-3'
Protein context (NP_001534.1, residues 534-554): GNDRLGLYTF[Lys544=]HLVRFLHSWT

ClinVar aggregate classification (germline): Likely benign (1 of 4 stars; one submission).

Submission:

CeGaT Center for Human Genetics Tuebingen
Classification: Likely benign. Last evaluated: 2023-02-01. Review status: criteria provided, single submitter. Criteria: CeGaT Center For Human Genetics Tuebingen Variant Classification Criteria Version 2. Collection method: clinical testing. Allele origin: germline. Affected: yes. Observed: 1 variant allele.
Comment: NDST1: PM2:Supporting, BP4, BP7